The following is an entry in ClinVar:

ClinVar aggregate classification (germline): not provided (0 of 4 stars; one submission).

Conditions:
Seizures, benign familial neonatal, 1. Also called: Benign Neonatal Epilepsy 1; KCNQ2-Related Benign Familial Neonatal Epilepsy; KCNQ2-Related Self-Limited Familial Neonatal Epilepsy (SLFNE); Seizures, benign neonatal, 1. Identifiers: Orphanet 1949, MedGen C3149074, MONDO:0007365, OMIM 121200.

Submission:

GeneReviews
No classification provided. Condition: Seizures, benign familial neonatal, 1. Review status: no classification provided. Collection method: literature only. Allele origin: germline. Affected: yes.
Comment: BFNE (benign familial neonatal epilepsy)

Literature cited by the submitters: PubMed 11690625; NCBI Bookshelf NBK32534.

NM_172107.4(KCNQ2):c.585dup (p.Ala196fs)

Gene: KCNQ2 (potassium voltage-gated channel subfamily Q member 2; minus strand). Cytogenetic location: 20q13.33.
Variant type: Duplication.
Coding change: c.585dup on transcript NM_172107.4 (MANE Select); coding-DNA position 585, one base duplicated (T; older notation c.585dupT).
Protein change: p.Ala196fs; shifts the reading frame from alanine 196.
Molecular consequence: frameshift variant.
Genome position (GRCh38, 1-based): chr20:63,444,764, A duplicated on the plus strand (T on the coding strand, the reverse complement: KCNQ2 is on the minus strand). VCF-style (leftmost placement, unchanged base first): chr20-63444763-C-CA. GRCh37 (hg19) VCF-style: chr20-62076116-C-CA.
Other names: c.585dup, p.Ala196fs (NM_004518.6, NM_172106.3, NM_172108.5 and 1 more transcripts); short protein forms A196fs.
Identifiers: ClinVar variation 21791 (VCV000021791.2), dbSNP rs118192198, ClinGen allele CA342513.